The following is an entry in ClinVar:

NM_000492.4(CFTR):c.1584G>A (p.Glu528=)

Genes: CFTR (CF transmembrane conductance regulator; plus strand), CFTR-AS1 (CFTR antisense RNA 1; minus strand). Cytogenetic location: 7q31.2.
Variant type: single nucleotide variant.
Coding change: c.1584G>A on transcript NM_000492.4 (MANE Select); coding-DNA position 1584, G replaced by A.
Protein change: p.Glu528=; no amino-acid change (glutamic acid 528 retained).
Molecular consequence: synonymous variant.
Genome position (GRCh38, 1-based): chr7:117,559,655, G>A. VCF-style: chr7-117559655-G-A. GRCh37 (hg19) VCF-style: chr7-117199709-G-A.
Other names: 1716G/A; p.Glu528=.
Identifiers: ClinVar variation 43576 (VCV000043576.98), dbSNP rs1800095, ClinGen allele CA132749.

ClinVar aggregate classification (germline): Conflicting classifications of pathogenicity. Review status: criteria provided, conflicting classifications (1 of 4 stars). 25 submissions from 22 submitters: Uncertain significance (5); Benign (6); Likely benign (9). 5 of the submissions do not count toward it. Last evaluated 2026-07-01.

Conditions:
CFTR-related disorder (CFTR-RD). Also called: CFTR-related disorders; CFTR-related condition. Identifiers: MedGen C5924204, MONDO:7770004.
Pancreatitis. Identifiers: MedGen C0030305, MONDO:0004982, HP:0001733.
Congenital bilateral aplasia of vas deferens from CFTR mutation (CBAVD). Identifiers: Orphanet 48, MedGen C0403814, MONDO:0010178, OMIM 277180. Disease mechanism: loss of function.
Bronchiectasis with or without elevated sweat chloride 1 (BESC1). Also called: Cystic Fibrosis-Like Syndrome. Identifiers: Orphanet 60033, MedGen C2749757, MONDO:0008887, OMIM 211400.
Hereditary pancreatitis (PCTT). Also called: PRSS1-Related Hereditary Pancreatitis; Hereditary chronic pancreatitis. Identifiers: Orphanet 676, MedGen C0238339, MONDO:0008185, OMIM 167800.
Cystic fibrosis (CF). Also called: MUCOVISCIDOSIS. Identifiers: Orphanet 586, MedGen C0010674, MONDO:0009061, OMIM 219700. Disease mechanism: loss of function.

Allele frequency attached by ClinVar (database versions not stated): 1000 Genomes Project 0.01058; ESP Exome Variant Server 0.01438; TOPMed 0.01555; gnomAD 0.01670; gnomAD exomes 0.01672 and 0.02061; 1000 Genomes Project 30x 0.01077; ExAC 0.01691.
gnomAD v4.1: 32,332 of 1,609,992 alleles (2%); highest among the groups gnomAD compares: Non-Finnish European, 2.4%; 394 homozygotes.

Submissions 1 to 23 of 70:

CeGaT Center for Human Genetics Tuebingen
Classification: Benign. Last evaluated: 2026-07-01. Review status: criteria provided, single submitter. Criteria: CeGaT Center For Human Genetics Tuebingen Variant Classification Criteria Version 2. Collection method: clinical testing. Allele origin: germline. Affected: yes. Observed: 48 variant alleles.
Comment: CFTR: BP4, BS1, BS2

Labcorp Genetics (formerly Invitae), Labcorp
Classification: Benign for Cystic fibrosis. Last evaluated: 2026-02-04. Review status: criteria provided, single submitter. Criteria: Invitae Variant Classification Sherloc (09022015). Collection method: clinical testing. Allele origin: germline.

Mayo Clinic Laboratories, Mayo Clinic
Classification: Likely benign. Last evaluated: 2025-12-02. Review status: criteria provided, single submitter. Criteria: ACMG Guidelines, 2015. Collection method: clinical testing. Allele origin: germline. Observed: 190 variant alleles.
Comment: BS1, BS2, BP4, BP7

ARUP Laboratories, Molecular Genetics and Genomics, ARUP Laboratories
Classification: Likely benign. Last evaluated: 2025-07-30. Review status: criteria provided, single submitter. Criteria: ARUP Molecular Germline Variant Investigation Process 2024. Collection method: clinical testing. Allele origin: germline.

Institute of Human Genetics, University of Leipzig Medical Center
Classification: Uncertain significance for Cystic fibrosis. Last evaluated: 2025-06-16. Review status: criteria provided, single submitter. Criteria: ACMG Guidelines, 2015. Collection method: clinical testing. Allele origin: unknown. Inheritance: Autosomal recessive inheritance. Affected: yes.
Comment: Criteria applied: PVS1_STR,PM3,BS2

Institute of Human Genetics, University of Leipzig Medical Center
Classification: Uncertain significance for Bronchiectasis with or without elevated sweat chloride 1. Last evaluated: 2025-05-26. Review status: criteria provided, single submitter. Criteria: ACMG Guidelines, 2015. Collection method: clinical testing. Allele origin: unknown. Inheritance: Autosomal recessive inheritance. Affected: yes.
Comment: the same text as in the submission from Institute of Human Genetics, University of Leipzig Medical Center above.

Quest Diagnostics Nichols Institute San Juan Capistrano
Classification: Likely benign. Last evaluated: 2025-01-16. Review status: criteria provided, single submitter. Criteria: Quest Diagnostics criteria. Collection method: clinical testing. Allele origin: unknown.

Blueprint Genetics
Classification: Likely benign. Last evaluated: 2024-11-25. Review status: criteria provided, single submitter. Criteria: ACMG Guidelines, 2015. Collection method: clinical testing. Allele origin: germline.

Greenwood Genetic Center Diagnostic Laboratories, Greenwood Genetic Center
Classification: Uncertain significance. Last evaluated: 2022-01-18. Review status: criteria provided, single submitter. Criteria: ACMG Guidelines, 2015. Collection method: clinical testing. Allele origin: germline. Affected: yes.
Comment: BS2, PS3_supporting, PM3

Genome-Nilou Lab
Classification: Uncertain significance for Congenital bilateral aplasia of vas deferens from CFTR mutation. Last evaluated: 2021-07-22. Review status: criteria provided, single submitter. Criteria: ACMG Guidelines, 2015. Collection method: clinical testing. Allele origin: germline. Affected: no.

Genome-Nilou Lab
Classification: Likely benign for Cystic fibrosis. Last evaluated: 2021-06-10. Review status: criteria provided, single submitter. Criteria: ACMG Guidelines, 2015. Collection method: clinical testing. Allele origin: germline. Affected: no.

Sema4
Classification: Benign for Hereditary pancreatitis. Last evaluated: 2020-09-01. Review status: criteria provided, single submitter. Criteria: Sema4 Curation Guidelines. Collection method: curation. Allele origin: germline.

Genome Diagnostics Laboratory, The Hospital for Sick Children
Classification: Uncertain significance for Cystic fibrosis. Last evaluated: 2020-07-23. Review status: criteria provided, single submitter. Criteria: ACMG Guidelines, 2015. Collection method: clinical testing. Allele origin: germline.

Johns Hopkins Genomics, Johns Hopkins University
Classification: Likely benign for Cystic fibrosis. Last evaluated: 2019-08-06. Review status: criteria provided, single submitter. Criteria: ACMG Guidelines, 2015. Collection method: clinical testing. Allele origin: germline.

Illumina Laboratory Services, Illumina
Classification: Likely benign for CFTR-Related Disorders. Last evaluated: 2018-03-06. Review status: criteria provided, single submitter. Criteria: ICSL Variant Classification Criteria 13 December 2019. Collection method: clinical testing. Allele origin: germline.
Comment: This variant was observed in the ICSL laboratory as part of a predisposition screen in an ostensibly healthy population. It had not been previously curated by ICSL or reported in the Human Gene Mutation Database (HGMD: prior to June 1st, 2018), and was therefore a candidate for classification through an automated scoring system. Utilizing variant allele frequency, disease prevalence and penetrance estimates, and inheritance mode, an automated score was calculated to assess if this variant is too frequent to cause the disease. Based on the score and internal cut-off values, a variant classified as likely benign is not then subjected to further curation. The score for this variant resulted in a classification of likely benign for this disease.

CFTR-France
Classification: Benign for cystic fibrosis. Last evaluated: 2018-01-29. Review status: criteria provided, single submitter. Criteria: Claustres M et al. (Hum Mutat 2017). Collection method: curation. Allele origin: germline. Affected: yes and no.
Comment: the variant does not result in CFTR-RD neither

GeneDx
Classification: Likely benign. Last evaluated: 2017-12-26. Review status: criteria provided, single submitter. Criteria: GeneDx Variant Classification (06012015). Collection method: clinical testing. Allele origin: germline. Affected: yes.
Comment: This variant is considered likely benign or benign based on one or more of the following criteria: it is a conservative change, it occurs at a poorly conserved position in the protein, it is predicted to be benign by multiple in silico algorithms, and/or has population frequency not consistent with disease.

Ambry Genetics
Classification: Benign for Cystic fibrosis. Last evaluated: 2017-04-17. Review status: criteria provided, single submitter. Criteria: Ambry Variant Classification Scheme 2023. Collection method: clinical testing. Allele origin: germline.

Center for Pediatric Genomic Medicine, Children's Mercy Hospital and Clinics
Classification: Likely benign. Last evaluated: 2016-09-21. Review status: criteria provided, single submitter. Criteria: ACMG Guidelines, 2015. Collection method: clinical testing. Allele origin: germline.
ClinVar note: Converted during submission from Likely Benign to Likely benign.

Eurofins Ntd Llc (ga)
Classification: Benign. Last evaluated: 2014-10-17. Review status: criteria provided, single submitter. Criteria: EGL Classification Definitions 2015. Collection method: clinical testing. Allele origin: germline. Observed: 22 variant alleles, 22 heterozygotes.

Genome Diagnostics Laboratory, The Hospital for Sick Children
Classification: Uncertain significance for CFTR-related disorders. Last evaluated: 2020-07-23. Review status: no assertion criteria provided. Collection method: clinical testing. Allele origin: germline. Not counted in ClinVar's aggregate classification.

Natera, Inc.
Classification: Likely benign for CFTR-related disorders. Last evaluated: 2019-05-20. Review status: no assertion criteria provided. Collection method: clinical testing. Allele origin: germline. Not counted in ClinVar's aggregate classification.

PreventionGenetics, part of Exact Sciences
Classification: Benign for CFTR-related condition. Last evaluated: 2019-04-01. Review status: no assertion criteria provided. Collection method: clinical testing. Allele origin: germline. Not counted in ClinVar's aggregate classification.
Comment: This variant is classified as benign based on ACMG/AMP sequence variant interpretation guidelines (Richards et al. 2015 PMID: 25741868, with internal and published modifications).